The following is an entry in ClinVar:

NM_001385079.1(PDE10A):c.81C>T (p.Pro27=)

Gene: PDE10A (phosphodiesterase 10A; minus strand). Cytogenetic location: 6q27.
Variant type: single nucleotide variant.
Coding change: c.81C>T on transcript NM_001385079.1 (MANE Select); coding-DNA position 81, C replaced by T.
Protein change: p.Pro27=; no amino-acid change (proline 27 retained).
Molecular consequence: synonymous variant.
Genome position (GRCh38, 1-based): chr6:165,662,731, G>A on the plus strand (C>T on the coding strand, the complement: PDE10A is on the minus strand). VCF-style: chr6-165662731-G-A. GRCh37 (hg19) VCF-style: chr6-166076219-G-A.
Identifiers: ClinVar variation 4534838 (VCV004534838.6).
Genomic context (GRCh38, chr6:165,662,731, plus strand): 5'-CGGGCCCGCCGCGCTCCCCCCGCCGGCCGCGCTGAGCCGGGGTTCCGGGCGGAGTTTGCC[G>A]GGGCCGCAGCCCGGCTCGTCCCCGGCCGCTGGCAGGGGACCCTGGGGGCGGGGAGCAAGA-3'
Protein context (NP_001372008.1, residues 17-37): PAAGDEPGCG[Pro27=]GKLRPEPRLS

ClinVar aggregate classification (germline): Likely benign (1 of 4 stars; one submission).

gnomAD v4.1: 2 of 148,040 alleles (0.0014%); highest among the groups gnomAD compares: African/African-American, 0.0024%; no homozygotes.

Submission:

CeGaT Center for Human Genetics Tuebingen
Classification: Likely benign. Last evaluated: 2025-10-01. Review status: criteria provided, single submitter. Criteria: CeGaT Center For Human Genetics Tuebingen Variant Classification Criteria Version 2. Collection method: clinical testing. Allele origin: germline. Affected: yes. Observed: 1 variant allele.
Comment: PDE10A: BP4, BP7